The following is an entry in ClinVar:

ClinVar aggregate classification (germline): Uncertain significance (1 of 4 stars; one submission).

Conditions:
Neutral lipid storage myopathy (NLSDM). Also called: NEUTRAL LIPID STORAGE DISEASE WITHOUT ICHTHYOSIS. Identifiers: Orphanet 98908, MedGen C1853136, MONDO:0012545, OMIM 610717.

Submission:

Labcorp Genetics (formerly Invitae), Labcorp
Classification: Uncertain significance for Neutral lipid storage myopathy. Last evaluated: 2021-08-02. Review status: criteria provided, single submitter. Criteria: Invitae Variant Classification Sherloc (09022015). Collection method: clinical testing. Allele origin: germline.
Comment: This variant has not been reported in the literature in individuals affected with PNPLA2-related conditions. In summary, the available evidence is currently insufficient to determine the role of this variant in disease. Therefore, it has been classified as a Variant of Uncertain Significance. Algorithms developed to predict the effect of missense changes on protein structure and function are either unavailable or do not agree on the potential impact of this missense change (SIFT: "Tolerated"; PolyPhen-2: "Possibly Damaging"; Align-GVGD: "Class C0"). The frequency data for this variant in the population databases is considered unreliable, as metrics indicate insufficient coverage at this position in the ExAC database. This sequence change replaces serine with alanine at codon 404 of the PNPLA2 protein (p.Ser404Ala). The serine residue is highly conserved and there is a moderate physicochemical difference between serine and alanine.

NM_020376.4(PNPLA2):c.1210T>G (p.Ser404Ala)

Gene: PNPLA2 (patatin like domain 2, triacylglycerol lipase; plus strand). Cytogenetic location: 11p15.5.
Variant type: single nucleotide variant.
Coding change: c.1210T>G on transcript NM_020376.4 (MANE Select); coding-DNA position 1210, T replaced by G.
Protein change: p.Ser404Ala; replaces serine 404 with alanine.
Molecular consequence: missense variant.
Genome position (GRCh38, 1-based): chr11:824,557, T>G. VCF-style: chr11-824557-T-G. GRCh37 (hg19) VCF-style: chr11-824557-T-G.
Other names: short protein forms S404A.
Identifiers: ClinVar variation 1371665 (VCV001371665.6), dbSNP rs2133851536, ClinGen allele CA378984387.
Genomic context (GRCh38, chr11:824,557, plus strand): 5'-CTCCCTGCCGCATCCCTGCCCCGCAGGCTGCCGGAGCAGGTGGAGCTGCGCCGCGTCCAG[T>G]CGCTGCCGTCCGTGCCGCTGTCCTGCGCCGCCTACAGAGAGGCACTGCCCGGCTGGATGC-3'
Protein context (NP_065109.1, residues 394-414): PEQVELRRVQ[Ser404Ala]LPSVPLSCAA